The following is an entry in ClinVar:

ClinVar aggregate classification (germline): Uncertain significance. Review status: criteria provided, multiple submitters, no conflicts (2 of 4 stars). 2 submissions from 2 submitters: Uncertain significance (2). Last evaluated 2025-10-06.

Conditions:
Myopathy, tubular aggregate, 2 (TAM2). Identifiers: MedGen C4014557, MONDO:0014383, OMIM 615883.
Combined immunodeficiency due to ORAI1 deficiency. Also called: IMMUNODEFICIENCY 9. Identifiers: Orphanet 169090, Orphanet 317428, MedGen C2748568, MONDO:0013007, OMIM 612782.

Submissions (2):

Labcorp Genetics (formerly Invitae), Labcorp
Classification: Uncertain significance for Myopathy, tubular aggregate, 2; Combined immunodeficiency due to ORAI1 deficiency. Last evaluated: 2025-10-06. Review status: criteria provided, single submitter. Criteria: Invitae Variant Classification Sherloc (09022015). Collection method: clinical testing. Allele origin: germline.
Comment: This sequence change creates a premature translational stop signal (p.Pro46Serfs*14) in the ORAI1 gene. However, it is currently unclear if variants that occur in this region of the gene cause disease. This variant is present in population databases (no rsID available, gnomAD 0.004%). This variant has not been reported in the literature in individuals affected with ORAI1-related conditions. In summary, the available evidence is currently insufficient to determine the role of this variant in disease. Therefore, it has been classified as a Variant of Uncertain Significance.

Blueprint Genetics
Classification: Uncertain significance. Last evaluated: 2024-10-04. Review status: criteria provided, single submitter. Criteria: ACMG Guidelines, 2015. Collection method: clinical testing. Allele origin: germline.

NM_032790.4(ORAI1):c.132_143delACCGCCGCCGTC (p.Pro45_Ser48del)

Genes: ORAI1 (ORAI calcium release-activated calcium modulator 1; plus strand), LOC130008987 (ATAC-STARR-seq lymphoblastoid silent region 4981; plus strand). Cytogenetic location: 12q24.31.
Variant type: Deletion.
Coding change: c.132_143delACCGCCGCCGTC on transcript NM_032790.4 (MANE Select); coding-DNA positions 132 to 143, 12 bases deleted (ACCGCCGCCGTC).
Protein change: p.Pro45_Ser48del.
Genome position (GRCh38, 1-based): chr12:121,626,879-121,626,890, ACCGCCGCCGTC deleted; deleting any 12 consecutive bases within chr12:121,626,878-121,626,890 gives the same sequence; the c. name uses the placement nearest the transcript's 3' end. VCF-style (leftmost placement, unchanged base first): chr12-121626877-CCACCGCCGCCGT-C. GRCh37 (hg19) VCF-style: chr12-122064783-CCACCGCCGCCGT-C.
Identifiers: ClinVar variation 1415666 (VCV001415666.7), dbSNP rs1566465887, ClinGen allele CA919191194.
Genomic context (GRCh38, chr12:121,626,877, plus strand): 5'-CGGCAGCCGCCGGAGCCGCCGCCGCAGCGGGGACGGGGAGCCCCCGGGGGCCCCGCCCCG[CCACCGCCGCCGT>C]CCGCCGTCACCTACCCGGACTGGATCGGCCAGAGTTACTCCGAGGTGATGAGCCTCAACG-3'